The following is an entry in ClinVar:

ClinVar aggregate classification (germline): Conflicting classifications of pathogenicity. Review status: criteria provided, conflicting classifications (1 of 4 stars). 3 submissions from 3 submitters: Uncertain significance (1); Likely benign (2). Last evaluated 2025-12-03.

Conditions:
Danon disease. Also called: PSEUDOGLYCOGENOSIS II; Glycogen Storage Disease Type IIb; ANTOPOL DISEASE; GSD IIb; LYSOSOMAL GLYCOGEN STORAGE DISEASE WITHOUT ACID MALTASE DEFICIENCY. Identifiers: Orphanet 34587, MedGen C0878677, MONDO:0010281, OMIM 300257.

Allele frequency attached by ClinVar (database versions not stated): gnomAD exomes 0.00002 and 0.00007; ExAC 0.00003; TOPMed 0.00003; gnomAD 0.00004.
gnomAD v4.1: 58 of 949,102 alleles (0.0061%); highest among the groups gnomAD compares: Non-Finnish European, 0.0083%; no homozygotes.

Submissions (3):

Labcorp Genetics (formerly Invitae), Labcorp
Classification: Likely benign for Danon disease. Last evaluated: 2025-12-03. Review status: criteria provided, single submitter. Criteria: Invitae Variant Classification Sherloc (09022015). Collection method: clinical testing. Allele origin: germline.

GeneDx
Classification: Likely benign. Last evaluated: 2017-10-30. Review status: criteria provided, single submitter. Criteria: GeneDx Variant Classification (06012015). Collection method: clinical testing. Allele origin: germline. Affected: yes.
Comment: This variant is considered likely benign or benign based on one or more of the following criteria: it is a conservative change, it occurs at a poorly conserved position in the protein, it is predicted to be benign by multiple in silico algorithms, and/or has population frequency not consistent with disease.

Laboratory for Molecular Medicine, Mass General Brigham Personalized Medicine
Classification: Uncertain significance. Last evaluated: 2014-11-03. Review status: criteria provided, single submitter. Criteria: LMM Criteria. Collection method: clinical testing. Allele origin: germline. Observed: 1 variant allele.
Comment: The c.65-13T>A variant in LAMP2 has not been previously reported in individuals with cardiomyopathy. Data from large population studies are insufficient to asse ss the frequency of this variant. This variant is located in the 3' splice regio n. Computational tools do not suggest an impact to splicing. However, this infor mation is not predictive enough to determine pathogenicity. In summary, the clin ical significance of the c.65-13T>A variant is uncertain.

NM_002294.3(LAMP2):c.65-13T>A

Gene: LAMP2 (lysosome associated membrane protein 2; minus strand). Cytogenetic location: Xq24.
Variant type: single nucleotide variant.
Coding change: c.65-13T>A on transcript NM_002294.3 (MANE Select); 13 bases into the intron before coding-DNA position 65, T replaced by A.
Molecular consequence: intron variant.
Genome position (GRCh38, 1-based): chrX:120,456,782, A>T on the plus strand (T>A on the coding strand, the complement: LAMP2 is on the minus strand). VCF-style: chrX-120456782-A-T. GRCh37 (hg19) VCF-style: chrX-119590637-A-T.
Other names: c.65-13T>A (NM_001122606.1, NM_013995.2).
Identifiers: ClinVar variation 163818 (VCV000163818.13), dbSNP rs727503121, ClinGen allele CA176522.